The following is an entry in ClinVar:

ClinVar aggregate classification (germline): Pathogenic/Likely pathogenic. Review status: criteria provided, multiple submitters, no conflicts (2 of 4 stars). 6 submissions from 4 submitters: Pathogenic (4); Likely pathogenic (2). Last evaluated 2025-05-14.

Conditions:
Noonan syndrome (NS). Also called: Noonan's syndrome. Identifiers: Orphanet 648, MedGen C0028326, MeSH D009634, MONDO:0018997. Disease mechanism: gain of function.
LEOPARD syndrome 1 (LPRD1). Also called: LENTIGINOSIS, CARDIOMYOPATHIC; MULTIPLE LENTIGINES SYNDROME; PTPN11-Related LEOPARD Syndrome. Identifiers: Orphanet 500, MedGen C4551484, MONDO:0100082, OMIM 151100.
Noonan syndrome 1 (NS1). Also called: FEMALE PSEUDO-TURNER SYNDROME; TURNER PHENOTYPE WITH NORMAL KARYOTYPE; PTPN11-Related Noonan Syndrome. Identifiers: Orphanet 648, MedGen C4551602, MONDO:0008104, OMIM 163950. Disease mechanism: gain of function.
Metachondromatosis (METCDS). Identifiers: Orphanet 2499, MedGen C0410530, MONDO:0007979, OMIM 156250.
Noonan syndrome 3 (NS3). Also called: KRAS-Related Noonan Syndrome. Identifiers: Orphanet 648, MedGen C1860991, MONDO:0012371, OMIM 609942.

Submissions (6):

Victorian Clinical Genetics Services, Murdoch Childrens Research Institute
Classification: Pathogenic for Noonan syndrome 1. Last evaluated: 2025-05-14. Review status: criteria provided, single submitter. Criteria: ACMG Guidelines, 2015. Collection method: clinical testing. Allele origin: germline. Affected: yes.
Comment: This variant is classified as Pathogenic. Evidence in support of pathogenic classification: Variant is absent from gnomAD (v2, v3 and v4); This variant has strong previous evidence of pathogenicity in unrelated individuals. This variant has been classified as likely pathogenic/pathogenic by multiple clinical laboratories in ClinVar, and has been reported in the literature in individuals with Noonan syndrome (PMIDs: 19077116, 20578946, 34906519, 29907801); Other missense variant(s) comparable to the one identified in this case have very strong previous evidence for pathogenicity. p.(Glu69Gln) is classified as pathogenic by the ClinGen RASopathy expert panel (ClinVar). p.(Glu69Ala) has been classified as likely pathogenic, and p.(Glu69Lys) has been classified as likely pathogenic by multiple clinical laboratories and once as a VUS (ClinVar); Variant is located in a hotspot region or cluster of PATHOGENIC variants (DECIPHER); Missense variant predicted to be damaging by in silico tool(s) or highly conserved with a major amino acid change. Additional information: Variant is predicted to result in a missense amino acid change from glutamic acid to valine; This variant is heterozygous; This gene is associated with autosomal dominant disease; Both loss of function and gain of function are known mechanisms of disease for this gene. Metachondromatosis (MIM#156250) and Noonan syndrome with multiple lentigines have been associated with loss of function variants, whereas Noonan syndrome 1 (MIM#163950) is caused by gain of function variants (PMIDs: 11992261, 24935154, 21533187; ClinGen expert panel); Inheritance information for this variant is not currently available in this individual.

Baylor Genetics
Classification: Pathogenic for Metachondromatosis. Last evaluated: 2024-02-24. Review status: criteria provided, single submitter. Criteria: ACMG Guidelines, 2015. Collection method: clinical testing. Allele origin: unknown.

Baylor Genetics
Classification: Pathogenic for Noonan syndrome 1. Last evaluated: 2024-02-24. Review status: criteria provided, single submitter. Criteria: ACMG Guidelines, 2015. Collection method: clinical testing. Allele origin: unknown.

Baylor Genetics
Classification: Pathogenic for LEOPARD syndrome 1. Last evaluated: 2024-02-24. Review status: criteria provided, single submitter. Criteria: ACMG Guidelines, 2015. Collection method: clinical testing. Allele origin: unknown.

Laboratory for Molecular Medicine, Mass General Brigham Personalized Medicine
Classification: Likely pathogenic for Noonan syndrome. Last evaluated: 2019-02-04. Review status: criteria provided, single submitter. Criteria: LMM Criteria. Collection method: clinical testing. Allele origin: germline. Observed: 1 variant allele.
Comment: proposed classification - variant undergoing re-assessment, contact laboratory

Women's Health and Genetics/Laboratory Corporation of America, LabCorp
Classification: Likely pathogenic for Noonan syndrome 3. Last evaluated: 2016-02-15. Review status: criteria provided, single submitter. Criteria: LabCorp Variant Classification Summary - May 2015. Collection method: clinical testing. Allele origin: germline.

Literature cited by the submitters: PubMed 19077116 (cited by 3 submitters); PubMed 11992261 (cited by Victorian Clinical Genetics Services, Murdoch Childrens Research Institute); PubMed 34906519 (cited by Victorian Clinical Genetics Services, Murdoch Childrens Research Institute); PubMed 21533187 (cited by Victorian Clinical Genetics Services, Murdoch Childrens Research Institute); PubMed 20578946 (cited by 3 submitters); PubMed 29907801 (cited by Victorian Clinical Genetics Services, Murdoch Childrens Research Institute); PubMed 24935154 (cited by Victorian Clinical Genetics Services, Murdoch Childrens Research Institute); PubMed 24030381 (cited by Laboratory for Molecular Medicine, Mass General Brigham Personalized Medicine and Women's Health and Genetics/Laboratory Corporation of America, LabCorp); PubMed 15604238 (cited by Laboratory for Molecular Medicine, Mass General Brigham Personalized Medicine and Women's Health and Genetics/Laboratory Corporation of America, LabCorp); PubMed 27460089 (cited by Laboratory for Molecular Medicine, Mass General Brigham Personalized Medicine); PubMed 27884971 (cited by Laboratory for Molecular Medicine, Mass General Brigham Personalized Medicine); PubMed 18470943 (cited by Women's Health and Genetics/Laboratory Corporation of America, LabCorp); PubMed 20186801 (cited by Women's Health and Genetics/Laboratory Corporation of America, LabCorp).

NM_002834.5(PTPN11):c.206A>T (p.Glu69Val)

Gene: PTPN11 (protein tyrosine phosphatase non-receptor type 11; plus strand). Cytogenetic location: 12q24.13.
Variant type: single nucleotide variant.
Coding change: c.206A>T on transcript NM_002834.5 (MANE Select); coding-DNA position 206, A replaced by T.
Protein change: p.Glu69Val; replaces glutamic acid 69 with valine.
Molecular consequence: missense variant.
Genome position (GRCh38, 1-based): chr12:112,450,386, A>T. VCF-style: chr12-112450386-A-T. GRCh37 (hg19) VCF-style: chr12-112888190-A-T.
Other names: c.206A>T, p.Glu69Val (NM_001330437.2, NM_080601.3); c.203A>T, p.Glu68Val (NM_001374625.1); short protein forms E69V, E68V.
Identifiers: ClinVar variation 164997 (VCV000164997.9), dbSNP rs727503380, ClinGen allele CA177668.